The following is an entry in ClinVar:

NM_005869.4(CWC27):c.100C>A (p.Pro34Thr)

Gene: CWC27 (CWC27 spliceosome associated cyclophilin; plus strand). Cytogenetic location: 5q12.3.
Variant type: single nucleotide variant.
Coding change: c.100C>A on transcript NM_005869.4 (MANE Select); coding-DNA position 100, C replaced by A.
Protein change: p.Pro34Thr; replaces proline 34 with threonine.
Molecular consequence: missense variant.
Genome position (GRCh38, 1-based): chr5:64,774,748, C>A. VCF-style: chr5-64774748-C-A. GRCh37 (hg19) VCF-style: chr5-64070575-C-A.
Other names: c.100C>A, p.Pro34Thr (NM_001297644.1, NM_001297645.2, NM_001318000.2 and 1 more transcripts); c.100C>A (NM_005869.3); short protein forms P34T.
Identifiers: ClinVar variation 1059307 (VCV001059307.9), dbSNP rs141974787, ClinGen allele CA3281830.

ClinVar aggregate classification (germline): Uncertain significance. Review status: criteria provided, multiple submitters, no conflicts (2 of 4 stars). 3 submissions from 3 submitters: Uncertain significance (3). Last evaluated 2026-02-20.

Conditions:
CWC27-related disorder. Also called: CWC27-related condition.

Allele frequency attached by ClinVar (database versions not stated): gnomAD exomes 0.00001 and 0.00002; ExAC 0.00003; ESP Exome Variant Server 0.00008; gnomAD 0.00012 and 0.00013; TOPMed 0.00014.
gnomAD v4.1: 33 of 1,607,290 alleles (0.0021%); highest among the groups gnomAD compares: African/African-American, 0.044%; no homozygotes.

Submissions (3):

PreventionGenetics, part of Exact Sciences
Classification: Uncertain significance for CWC27-related condition. Last evaluated: 2026-02-20. Review status: criteria provided, single submitter. Criteria: ACMG Guidelines, 2015. Collection method: clinical testing. Allele origin: germline.
Comment: The CWC27 c.100C>A variant is predicted to result in the amino acid substitution p.Pro34Thr. To our knowledge, this variant has not been reported in the literature. This variant is reported in 0.026% of alleles in individuals of African descent in gnomAD. At this time, the clinical significance of this variant is uncertain due to the absence of conclusive functional and genetic evidence.

Labcorp Genetics (formerly Invitae), Labcorp
Classification: Uncertain significance. Last evaluated: 2022-07-21. Review status: criteria provided, single submitter. Criteria: Invitae Variant Classification Sherloc (09022015). Collection method: clinical testing. Allele origin: germline.
Comment: This sequence change replaces proline, which is neutral and non-polar, with threonine, which is neutral and polar, at codon 34 of the CWC27 protein (p.Pro34Thr). The frequency data for this variant in the population databases is considered unreliable, as metrics indicate poor data quality at this position in the gnomAD database. This variant has not been reported in the literature in individuals affected with CWC27-related conditions. ClinVar contains an entry for this variant (Variation ID: 1059307). Algorithms developed to predict the effect of missense changes on protein structure and function (SIFT, PolyPhen-2, Align-GVGD) all suggest that this variant is likely to be disruptive. In summary, the available evidence is currently insufficient to determine the role of this variant in disease. Therefore, it has been classified as a Variant of Uncertain Significance.

Blueprint Genetics
Classification: Uncertain significance. Last evaluated: 2022-02-03. Review status: criteria provided, single submitter. Criteria: ACMG Guidelines, 2015. Collection method: clinical testing. Allele origin: germline.